The following is an entry in ClinVar:

ClinVar aggregate classification (germline): Uncertain significance (1 of 4 stars; one submission).

Conditions:
Charcot-Marie-Tooth disease, type I (CMT1). Also called: Charcot-Marie-Tooth disease type 1; Charcot-Marie-Tooth, Type 1. Identifiers: Orphanet 65753, MedGen C0751036, MONDO:0019011.

Submission:

Labcorp Genetics (formerly Invitae), Labcorp
Classification: Uncertain significance for Charcot-Marie-Tooth disease, type I. Last evaluated: 2020-03-14. Review status: criteria provided, single submitter. Criteria: Invitae Variant Classification Sherloc (09022015). Collection method: clinical testing. Allele origin: germline.
Comment: In summary, the available evidence is currently insufficient to determine the role of this variant in disease. Therefore, it has been classified as a Variant of Uncertain Significance. Experimental studies and prediction algorithms are not available or were not evaluated, and the functional significance of this variant is currently unknown. This sequence change results in a frameshift in the EGR2 gene (p.Ser460Ilefs*75). While this is not anticipated to result in nonsense mediated decay, it is expected to disrupt the last 17 amino acids of the EGR2 protein and extend the protein by an additional 57 amino acids. This variant is not present in population databases (ExAC no frequency). This variant has not been reported in the literature in individuals with EGR2-related conditions.

NM_000399.5(EGR2):c.1379del (p.Ser460fs)

Gene: EGR2 (early growth response 2; minus strand). Cytogenetic location: 10q21.3.
Variant type: Deletion.
Coding change: c.1379del on transcript NM_000399.5 (MANE Select); coding-DNA position 1379, one base deleted (G; older notation c.1379delG).
Protein change: p.Ser460fs; shifts the reading frame from serine 460.
Molecular consequence: frameshift variant.
Genome position (GRCh38, 1-based): chr10:62,813,259, C deleted on the plus strand (G on the coding strand, the reverse complement: EGR2 is on the minus strand). VCF-style (leftmost placement, unchanged base first): chr10-62813258-AC-A. GRCh37 (hg19) VCF-style: chr10-64573018-AC-A.
Other names: c.1379del, p.Ser460fs (NM_001136177.3, NM_001136178.2); c.1229del, p.Ser410fs (NM_001136179.3, NM_001321037.2); short protein forms S410fs, S460fs.
Identifiers: ClinVar variation 1010400 (VCV001010400.6), dbSNP rs1842157243, ClinGen allele CA1914712418.